The following is an entry in ClinVar:

ClinVar aggregate classification (germline): Uncertain significance (1 of 4 stars; one submission).

Allele frequency attached by ClinVar (database versions not stated): gnomAD exomes below 0.00001; gnomAD 0.00001; TOPMed 0.00001.
gnomAD v4.1: 7 of 1,613,502 alleles (0.00043%); highest among the groups gnomAD compares: East Asian, 0.0022%; no homozygotes.

Submission:

Labcorp Genetics (formerly Invitae), Labcorp
Classification: Uncertain significance. Last evaluated: 2022-01-13. Review status: criteria provided, single submitter. Criteria: Invitae Variant Classification Sherloc (09022015). Collection method: clinical testing. Allele origin: germline.
Comment: In summary, the available evidence is currently insufficient to determine the role of this variant in disease. Therefore, it has been classified as a Variant of Uncertain Significance. Algorithms developed to predict the effect of missense changes on protein structure and function are either unavailable or do not agree on the potential impact of this missense change (SIFT: "Tolerated"; PolyPhen-2: "Possibly Damaging"; Align-GVGD: "Class C0"). This variant has not been reported in the literature in individuals affected with GPC6-related conditions. This variant is not present in population databases (gnomAD no frequency). This sequence change replaces threonine, which is neutral and polar, with methionine, which is neutral and non-polar, at codon 508 of the GPC6 protein (p.Thr508Met).

NM_005708.5(GPC6):c.1523C>T (p.Thr508Met)

Gene: GPC6 (glypican 6; plus strand). Cytogenetic location: 13q32.1.
Variant type: single nucleotide variant.
Coding change: c.1523C>T on transcript NM_005708.5 (MANE Select); coding-DNA position 1523, C replaced by T.
Protein change: p.Thr508Met; replaces threonine 508 with methionine.
Molecular consequence: missense variant.
Genome position (GRCh38, 1-based): chr13:94,403,072, C>T. VCF-style: chr13-94403072-C-T. GRCh37 (hg19) VCF-style: chr13-95055326-C-T.
Other names: short protein forms T508M.
Identifiers: ClinVar variation 1347377 (VCV001347377.6), dbSNP rs1215726938, ClinGen allele CA388375151.